The following is an entry in ClinVar:

ClinVar aggregate classification (germline): Uncertain significance (1 of 4 stars; one submission).

Conditions:
Tuberous sclerosis 1 (TSC1). Identifiers: Orphanet 805, MedGen C1854465, MONDO:0008612, OMIM 191100.

Submission:

Labcorp Genetics (formerly Invitae), Labcorp
Classification: Uncertain significance for Tuberous sclerosis 1. Last evaluated: 2025-12-23. Review status: criteria provided, single submitter. Criteria: Invitae Variant Classification Sherloc (09022015). Collection method: clinical testing. Allele origin: germline.
Comment: This sequence change replaces serine, which is neutral and polar, with cysteine, which is neutral and slightly polar, at codon 524 of the TSC1 protein (p.Ser524Cys). This variant is not present in population databases (gnomAD no frequency). This variant has not been reported in the literature in individuals affected with TSC1-related conditions. Invitae Evidence Modeling of protein sequence and biophysical properties (such as structural, functional, and spatial information, amino acid conservation, physicochemical variation, residue mobility, and thermodynamic stability) indicates that this missense variant is not expected to disrupt TSC1 protein function with a negative predictive value of 95%. In summary, the available evidence is currently insufficient to determine the role of this variant in disease. Therefore, it has been classified as a Variant of Uncertain Significance.

NM_000368.5(TSC1):c.1571C>G (p.Ser524Cys)

Gene: TSC1 (TSC complex subunit 1; minus strand). Cytogenetic location: 9q34.13.
Variant type: single nucleotide variant.
Coding change: c.1571C>G on transcript NM_000368.5 (MANE Select); coding-DNA position 1571, C replaced by G.
Protein change: p.Ser524Cys; replaces serine 524 with cysteine.
Molecular consequence: missense variant. On other transcripts: non-coding transcript variant (5).
Genome position (GRCh38, 1-based): chr9:132,906,007, G>C on the plus strand (C>G on the coding strand, the complement: TSC1 is on the minus strand). VCF-style: chr9-132906007-G-C. GRCh37 (hg19) VCF-style: chr9-135781394-G-C.
Other names: c.1568C>G, p.Ser523Cys (NM_001162426.2, NM_001406597.1, NM_001406598.1 and 6 more transcripts); c.1418C>G, p.Ser473Cys (NM_001162427.2, NM_001406610.1); c.1208C>G, p.Ser403Cys (NM_001362177.2, NM_001406617.1, NM_001406614.1 and 5 more transcripts); c.1571C>G, p.Ser524Cys (NM_001406592.1, NM_001406593.1, NM_001406594.1 and 7 more transcripts); c.1415C>G, p.Ser472Cys (NM_001406611.1, NM_001406612.1, NM_001406613.1); c.620C>G, p.Ser207Cys (NM_001406626.1); c.617C>G, p.Ser206Cys (NM_001406627.1, NM_001406628.1); c.518C>G, p.Ser173Cys (NM_001406629.1, NM_001406630.1); and 1 more; short protein forms S206C, S207C, S403C, S523C, S173C, S402C, S472C, S473C.
Identifiers: ClinVar variation 4709647 (VCV004709647.1).